The following is an entry in ClinVar:

ClinVar aggregate classification (germline): Conflicting classifications of pathogenicity. Review status: criteria provided, conflicting classifications (1 of 4 stars). 3 submissions from 3 submitters: Uncertain significance (2); Likely benign (1). Last evaluated 2025-10-09.

Conditions:
Hereditary cancer-predisposing syndrome. Also called: Neoplastic Syndromes, Hereditary; Tumor predisposition; Hereditary Cancer Syndrome; Hereditary neoplastic syndrome. Identifiers: Orphanet 140162, MedGen C0027672, MeSH D009386, MONDO:0015356.
Oligodontia-cancer predisposition syndrome. Also called: TOOTH AGENESIS-COLORECTAL CANCER SYNDROME. Identifiers: Orphanet 300576, MedGen C1837750, MONDO:0012075, OMIM 608615. Disease mechanism: loss of function.

Allele frequency attached by ClinVar (database versions not stated): gnomAD exomes below 0.00001 and 0.00002; gnomAD 0.00001 and 0.00003; ExAC 0.00002; 1000 Genomes Project 0.00040; 1000 Genomes Project 30x 0.00047.
gnomAD v4.1: 9 of 1,614,006 alleles (0.00056%); highest among the groups gnomAD compares: East Asian, 0.018%; no homozygotes.

Submissions (3):

Quest Diagnostics Nichols Institute San Juan Capistrano
Classification: Uncertain significance. Last evaluated: 2025-10-09. Review status: criteria provided, single submitter. Criteria: Quest Diagnostics criteria. Collection method: clinical testing. Allele origin: unknown.
Comment: The AXIN2 c.1648T>G (p.Tyr550Asp) variant has not been reported in individuals with AXIN2-related conditions in the published literature. The frequency of this variant in the general population (Genome Aggregation Database) is higher than would generally be expected for pathogenic variants in this gene. Analysis of this variant using bioinformatics tools for the prediction of the effect of amino acid changes on protein structure and function yielded predictions that this variant is benign. Based on the available information, we are unable to determine the clinical significance of this variant.

Labcorp Genetics (formerly Invitae), Labcorp
Classification: Uncertain significance for Oligodontia-cancer predisposition syndrome. Last evaluated: 2024-12-04. Review status: criteria provided, single submitter. Criteria: Invitae Variant Classification Sherloc (09022015). Collection method: clinical testing. Allele origin: germline.
Comment: This sequence change replaces tyrosine, which is neutral and polar, with aspartic acid, which is acidic and polar, at codon 550 of the AXIN2 protein (p.Tyr550Asp). This variant is present in population databases (rs571713474, gnomAD 0.02%). This variant has not been reported in the literature in individuals affected with AXIN2-related conditions. ClinVar contains an entry for this variant (Variation ID: 650271). Invitae Evidence Modeling of protein sequence and biophysical properties (such as structural, functional, and spatial information, amino acid conservation, physicochemical variation, residue mobility, and thermodynamic stability) indicates that this missense variant is not expected to disrupt AXIN2 protein function with a negative predictive value of 80%. In summary, the available evidence is currently insufficient to determine the role of this variant in disease. Therefore, it has been classified as a Variant of Uncertain Significance.

Ambry Genetics
Classification: Likely benign for Hereditary cancer-predisposing syndrome. Last evaluated: 2023-06-28. Review status: criteria provided, single submitter. Criteria: Ambry Variant Classification Scheme 2023. Collection method: clinical testing. Allele origin: germline.

NM_004655.4(AXIN2):c.1648T>G (p.Tyr550Asp)

Gene: AXIN2 (axin 2; minus strand). Cytogenetic location: 17q24.1.
Variant type: single nucleotide variant.
Coding change: c.1648T>G on transcript NM_004655.4 (MANE Select); coding-DNA position 1648, T replaced by G.
Protein change: p.Tyr550Asp; replaces tyrosine 550 with aspartic acid.
Molecular consequence: missense variant.
Genome position (GRCh38, 1-based): chr17:65,537,388, A>C on the plus strand (T>G on the coding strand, the complement: AXIN2 is on the minus strand). VCF-style: chr17-65537388-A-C. GRCh37 (hg19) VCF-style: chr17-63533506-A-C.
Other names: c.1648T>G (LRG_296t1); c.1648T>G, p.Tyr550Asp (NM_001363813.1); short protein forms Y550D.
Identifiers: ClinVar variation 650271 (VCV000650271.13), dbSNP rs571713474, ClinGen allele CA8718583.